The following is an entry in ClinVar:

NM_000051.4(ATM):c.703G>T (p.Ala235Ser)

Gene: ATM (ATM serine/threonine kinase; plus strand). Cytogenetic location: 11q22.3.
Variant type: single nucleotide variant.
Coding change: c.703G>T on transcript NM_000051.4 (MANE Select); coding-DNA position 703, G replaced by T.
Protein change: p.Ala235Ser; replaces alanine 235 with serine.
Molecular consequence: missense variant.
Genome position (GRCh38, 1-based): chr11:108,244,828, G>T. VCF-style: chr11-108244828-G-T. GRCh37 (hg19) VCF-style: chr11-108115555-G-T.
Other names: c.703G>T, p.Ala235Ser (NM_001351834.2); short protein forms A235S.
Identifiers: ClinVar variation 2811884 (VCV002811884.3), dbSNP rs76379269, ClinGen allele CA382529139.

ClinVar aggregate classification (germline): Uncertain significance (1 of 4 stars; one submission).

Conditions:
Ataxia-telangiectasia syndrome (AT). Also called: Ataxia-telangiectasia, complementation group E; ATAXIA-TELANGIECTASIA, COMPLEMENTATION GROUP A; ATAXIA-TELANGIECTASIA, FRESNO VARIANT; Ataxia-telangiectasia; LOUIS-BAR SYNDROME; Ataxia-telangiectasia, complementation group D. Identifiers: Orphanet 100, MedGen C0004135, MONDO:0008840, OMIM 208900.

Submission:

Labcorp Genetics (formerly Invitae), Labcorp
Classification: Uncertain significance for Ataxia-telangiectasia syndrome. Last evaluated: 2022-11-03. Review status: criteria provided, single submitter. Criteria: Invitae Variant Classification Sherloc (09022015). Collection method: clinical testing. Allele origin: germline.
Comment: In summary, the available evidence is currently insufficient to determine the role of this variant in disease. Therefore, it has been classified as a Variant of Uncertain Significance. Algorithms developed to predict the effect of sequence changes on RNA splicing suggest that this variant may create or strengthen a splice site. Algorithms developed to predict the effect of missense changes on protein structure and function (SIFT, PolyPhen-2, Align-GVGD) all suggest that this variant is likely to be disruptive. This variant has not been reported in the literature in individuals affected with ATM-related conditions. This variant is not present in population databases (gnomAD no frequency). This sequence change replaces alanine, which is neutral and non-polar, with serine, which is neutral and polar, at codon 235 of the ATM protein (p.Ala235Ser).